The following is an entry in ClinVar:

ClinVar aggregate classification (germline): Uncertain significance (1 of 4 stars; one submission).

Conditions:
Long QT syndrome (LQTS). Identifiers: MedGen C0023976, MeSH D008133, MONDO:0002442. Disease mechanism: loss of function. Inheritance: Various modes of inheritance.

Submission:

Labcorp Genetics (formerly Invitae), Labcorp
Classification: Uncertain significance for Long QT syndrome. Last evaluated: 2025-10-13. Review status: criteria provided, single submitter. Criteria: Invitae Variant Classification Sherloc (09022015). Collection method: clinical testing. Allele origin: germline.
Comment: This sequence change replaces leucine, which is neutral and non-polar, with methionine, which is neutral and non-polar, at codon 118 of the KCNJ5 protein (p.Leu118Met). This variant is not present in population databases (gnomAD no frequency). This variant has not been reported in the literature in individuals affected with KCNJ5-related conditions. ClinVar contains an entry for this variant (Variation ID: 2091632). Invitae Evidence Modeling of protein sequence and biophysical properties (such as structural, functional, and spatial information, amino acid conservation, physicochemical variation, residue mobility, and thermodynamic stability) indicates that this missense variant is not expected to disrupt KCNJ5 protein function with a negative predictive value of 80%. In summary, the available evidence is currently insufficient to determine the role of this variant in disease. Therefore, it has been classified as a Variant of Uncertain Significance.

NM_000890.5(KCNJ5):c.352C>A (p.Leu118Met)

Gene: KCNJ5 (potassium inwardly rectifying channel subfamily J member 5; plus strand). Cytogenetic location: 11q24.3.
Variant type: single nucleotide variant.
Coding change: c.352C>A on transcript NM_000890.5 (MANE Select); coding-DNA position 352, C replaced by A.
Protein change: p.Leu118Met; replaces leucine 118 with methionine.
Molecular consequence: missense variant.
Genome position (GRCh38, 1-based): chr11:128,911,625, C>A. VCF-style: chr11-128911625-C-A. GRCh37 (hg19) VCF-style: chr11-128781520-C-A.
Other names: c.352C>A, p.Leu118Met (NM_001354169.2); short protein forms L118M.
Identifiers: ClinVar variation 2091632 (VCV002091632.4), dbSNP rs1481248110, ClinGen allele CA383247359.
Genomic context (GRCh38, chr11:128,911,625, plus strand): 5'-ACTGTCACCTGGCTGTTCTTCGGCTTCATTTGGTGGCTCATTGCTTATATCCGGGGTGAC[C>A]TGGACCATGTTGGCGACCAAGAGTGGATTCCTTGTGTTGAAAACCTCAGTGGCTTCGTGT-3'
Protein context (NP_000881.3, residues 108-128): WWLIAYIRGD[Leu118Met]DHVGDQEWIP